The following is an entry in ClinVar:

NM_006389.5(HYOU1):c.2215G>A (p.Ala739Thr)

Gene: HYOU1 (hypoxia up-regulated 1; minus strand). Cytogenetic location: 11q23.3.
Variant type: single nucleotide variant.
Coding change: c.2215G>A on transcript NM_006389.5 (MANE Select); coding-DNA position 2215, G replaced by A.
Protein change: p.Ala739Thr; replaces alanine 739 with threonine.
Molecular consequence: missense variant.
Genome position (GRCh38, 1-based): chr11:119,048,514, C>T on the plus strand (G>A on the coding strand, the complement: HYOU1 is on the minus strand). VCF-style: chr11-119048514-C-T. GRCh37 (hg19) VCF-style: chr11-118919226-C-T.
Other names: c.2215G>A, p.Ala739Thr (NM_001130991.3, NM_001411041.1); short protein forms A739T.
Identifiers: ClinVar variation 3608867 (VCV003608867.2).

ClinVar aggregate classification (germline): Uncertain significance (1 of 4 stars; one submission).

gnomAD v4.1: 5 of 1,613,974 alleles (0.00031%); highest among the groups gnomAD compares: South Asian, 0.0011%; no homozygotes.

Submission:

Labcorp Genetics (formerly Invitae), Labcorp
Classification: Uncertain significance. Last evaluated: 2024-09-29. Review status: criteria provided, single submitter. Criteria: Invitae Variant Classification Sherloc (09022015). Collection method: clinical testing. Allele origin: germline.
Comment: This sequence change replaces alanine, which is neutral and non-polar, with threonine, which is neutral and polar, at codon 739 of the HYOU1 protein (p.Ala739Thr). This variant is present in population databases (rs782634334, gnomAD 0.003%). This variant has not been reported in the literature in individuals affected with HYOU1-related conditions. An algorithm developed to predict the effect of missense changes on protein structure and function (PolyPhen-2) suggests that this variant is likely to be tolerated. In summary, the available evidence is currently insufficient to determine the role of this variant in disease. Therefore, it has been classified as a Variant of Uncertain Significance.